The following is an entry in ClinVar:

NM_006393.3(NEBL):c.498C>A (p.Asp166Glu)

Gene: NEBL (nebulette; minus strand). Cytogenetic location: 10p12.31.
Variant type: single nucleotide variant.
Coding change: c.498C>A on transcript NM_006393.3 (MANE Select); coding-DNA position 498, C replaced by A.
Protein change: p.Asp166Glu; replaces aspartic acid 166 with glutamic acid.
Molecular consequence: missense variant. On other transcripts: intron variant (9).
Genome position (GRCh38, 1-based): chr10:20,869,824, G>T on the plus strand (C>A on the coding strand, the complement: NEBL is on the minus strand). VCF-style: chr10-20869824-G-T. GRCh37 (hg19) VCF-style: chr10-21158753-G-T.
Other names: c.250-56884C>A (NM_001377326.1, NM_001377327.1, NM_001377328.1); c.358-56884C>A (NM_213569.2, NM_001173484.2, NM_001377322.1); c.301-56884C>A (NM_001377324.1); c.292-56884C>A (NM_001377325.1); c.310-56884C>A (NM_001377323.1); short protein forms D166E.
Identifiers: ClinVar variation 852792 (VCV000852792.13), dbSNP rs371105861, ClinGen allele CA376103657.

ClinVar aggregate classification (germline): Uncertain significance. Review status: criteria provided, multiple submitters, no conflicts (2 of 4 stars). 2 submissions from 2 submitters: Uncertain significance (2). Last evaluated 2025-10-14.

Conditions:
Primary dilated cardiomyopathy (DCM). Also called: Dilated Cardiomyopathy. Identifiers: Orphanet 217604, MedGen C0007193, MeSH D002311, MONDO:0005021, HP:0001644. Inheritance: Various modes of inheritance.

Allele frequency attached by ClinVar (database versions not stated): TOPMed 0.00001.
gnomAD v4.1: 15 of 1,611,594 alleles (0.00093%); highest among the groups gnomAD compares: Middle Eastern, 0.016%; no homozygotes.

Submissions (2):

Labcorp Genetics (formerly Invitae), Labcorp
Classification: Uncertain significance for Primary dilated cardiomyopathy. Last evaluated: 2025-10-14. Review status: criteria provided, single submitter. Criteria: Invitae Variant Classification Sherloc (09022015). Collection method: clinical testing. Allele origin: germline.
Comment: This sequence change replaces aspartic acid, which is acidic and polar, with glutamic acid, which is acidic and polar, at codon 166 of the NEBL protein (p.Asp166Glu). This variant is not present in population databases (gnomAD no frequency). This variant has not been reported in the literature in individuals affected with NEBL-related conditions. ClinVar contains an entry for this variant (Variation ID: 852792). An algorithm developed to predict the effect of missense changes on protein structure and function (PolyPhen-2) suggests that this variant is likely to be tolerated. In summary, the available evidence is currently insufficient to determine the role of this variant in disease. Therefore, it has been classified as a Variant of Uncertain Significance.

Ambry Genetics
Classification: Uncertain significance. Last evaluated: 2024-07-09. Review status: criteria provided, single submitter. Criteria: Ambry Variant Classification Scheme 2023. Collection method: clinical testing. Allele origin: germline.